The following is an entry in ClinVar:

NM_005502.4(ABCA1):c.4465-1G>C

Gene: ABCA1 (ATP binding cassette subfamily A member 1; minus strand). Cytogenetic location: 9q31.1.
Variant type: single nucleotide variant.
Coding change: c.4465-1G>C on transcript NM_005502.4 (MANE Select); the canonical splice acceptor site of the intron before coding-DNA position 4465, G replaced by C.
Molecular consequence: splice acceptor variant.
Genome position (GRCh38, 1-based): chr9:104,804,721, C>G on the plus strand (G>C on the coding strand, the complement: ABCA1 is on the minus strand). VCF-style: chr9-104804721-C-G. GRCh37 (hg19) VCF-style: chr9-107567002-C-G.
Identifiers: ClinVar variation 3573478 (VCV003573478.1).

ClinVar aggregate classification (germline): Pathogenic (1 of 4 stars; one submission).

gnomAD v4.1: 4 of 1,612,936 alleles (0.00025%); highest among the groups gnomAD compares: Non-Finnish European, 0.00034%; no homozygotes.

Submission:

GeneDx
Classification: Pathogenic. Last evaluated: 2024-07-18. Review status: criteria provided, single submitter. Criteria: GeneDx Variant Classification Process June 2021. Collection method: clinical testing. Allele origin: germline. Affected: yes.
Comment: Canonical splice site variant in a gene for which loss of function is a known mechanism of disease and for which RNA studies demonstrate complete skipping of exon 32 (PMID: 19133158); Not observed at significant frequency in large population cohorts (gnomAD); This variant is associated with the following publications: (PMID: 25525159, 30333156, 19133158)